The following is an entry in ClinVar:

ClinVar aggregate classification (germline): Pathogenic (1 of 4 stars; one submission).

Conditions:
Hereditary nonpolyposis colorectal neoplasms. Identifiers: MedGen C0009405, MeSH D003123.

Submission:

Labcorp Genetics (formerly Invitae), Labcorp
Classification: Pathogenic for Hereditary nonpolyposis colorectal neoplasms. Last evaluated: 2023-12-16. Review status: criteria provided, single submitter. Criteria: Invitae Variant Classification Sherloc (09022015). Collection method: clinical testing. Allele origin: unknown.
Comment: This variant is a gross deletion of the genomic region encompassing exon(s) 3-10 of the PMS2 gene. This variant would be expected to be in-frame, preserving the integrity of the reading frame. This variant has not been reported in the literature in individuals affected with PMS2-related conditions. This variant disrupts a region of the PMS2 protein in which other variant(s) (Deletion (Exon 10)) have been determined to be pathogenic (PMID: 16472587, 18602922, 22577899, 23837913, 26318770). This suggests that this is a clinically significant region of the protein, and that variants that disrupt it are likely to be disease-causing. For these reasons, this variant has been classified as Pathogenic.

Literature cited by the submitters: PubMed 16472587; PubMed 18602922; PubMed 22577899; PubMed 23837913; PubMed 26318770.

NC_000007.13:g.(?_6029421)_(6043699_?)del

Gene: PMS2 (PMS1 homolog 2, mismatch repair system component; minus strand). Cytogenetic location: 7p22.1.
Variant type: Deletion.
Identifiers: ClinVar variation 3245653 (VCV003245653.1).